The following is an entry in ClinVar:

NM_020738.4(KIDINS220):c.1215G>C (p.Glu405Asp)

Gene: KIDINS220 (kinase D interacting substrate 220; minus strand). Cytogenetic location: 2p25.1.
Variant type: single nucleotide variant.
Coding change: c.1215G>C on transcript NM_020738.4 (MANE Select); coding-DNA position 1215, G replaced by C.
Protein change: p.Glu405Asp; replaces glutamic acid 405 with aspartic acid.
Molecular consequence: missense variant. On other transcripts: non-coding transcript variant (2).
Genome position (GRCh38, 1-based): chr2:8,793,871, C>G on the plus strand (G>C on the coding strand, the complement: KIDINS220 is on the minus strand). VCF-style: chr2-8793871-C-G. GRCh37 (hg19) VCF-style: chr2-8934001-C-G.
Other names: c.1218G>C, p.Glu406Asp (NM_001348729.2, NM_001348731.2, NM_001348734.2 and 3 more transcripts); c.1215G>C, p.Glu405Asp (NM_001348732.2, NM_001348735.2, NM_001348738.2 and 3 more transcripts); c.1089G>C, p.Glu363Asp (NM_001348736.2); short protein forms E363D, E405D, E406D.
Identifiers: ClinVar variation 4984436 (VCV004984436.1).

ClinVar aggregate classification (germline): Uncertain significance (1 of 4 stars; one submission).

Conditions:
KIDINS220-related disorder. Also called: KIDINS220-related condition.

gnomAD v4.1: 18 of 1,613,550 alleles (0.0011%); highest among the groups gnomAD compares: Non-Finnish European, 0.0011%; no homozygotes.

Submission:

PreventionGenetics, part of Exact Sciences
Classification: Uncertain significance for KIDINS220-related condition. Last evaluated: 2025-07-09. Review status: criteria provided, single submitter. Criteria: ACMG Guidelines, 2015. Collection method: clinical testing. Allele origin: germline.
Comment: The KIDINS220 c.1215G>C variant is predicted to result in the amino acid substitution p.Glu405Asp. To our knowledge, this variant has not been reported in the literature. This variant is reported in 0.0040% of alleles in individuals of European (Finnish) descent in gnomAD. At this time, the clinical significance of this variant is uncertain due to the absence of conclusive functional and genetic evidence.